The following is an entry in ClinVar:

ClinVar aggregate classification (germline): Likely benign (0 of 4 stars; one submission).

Conditions:
WARS2-related disorder. Also called: WARS2 related condition; WARS2-related disorders.

gnomAD v4.1: 3 of 1,614,026 alleles (0.00019%); highest among the groups gnomAD compares: Non-Finnish European, 0.00025%; no homozygotes.

Submission:

PreventionGenetics, part of Exact Sciences
Classification: Likely benign for WARS2-related condition. Last evaluated: 2024-07-09. Review status: no assertion criteria provided. Collection method: clinical testing. Allele origin: germline.
Comment: This variant is classified as likely benign based on ACMG/AMP sequence variant interpretation guidelines (Richards et al. 2015 PMID: 25741868, with internal and published modifications).

NM_015836.4(WARS2):c.843G>A (p.Ala281=)

Gene: WARS2 (tryptophanyl tRNA synthetase 2, mitochondrial; minus strand). Cytogenetic location: 1p12.
Variant type: single nucleotide variant.
Coding change: c.843G>A on transcript NM_015836.4 (MANE Select); coding-DNA position 843, G replaced by A.
Protein change: p.Ala281=; no amino-acid change (alanine 281 retained).
Molecular consequence: synonymous variant. On other transcripts: 3 prime UTR variant (2).
Genome position (GRCh38, 1-based): chr1:119,033,151, C>T on the plus strand (G>A on the coding strand, the complement: WARS2 is on the minus strand). VCF-style: chr1-119033151-C-T. GRCh37 (hg19) VCF-style: chr1-119575774-C-T.
Other names: c.774G>A, p.Ala258= (NM_001378226.1, NM_001378227.1); c.672G>A, p.Ala224= (NM_001378228.1); c.585G>A, p.Ala195= (NM_001378229.1); c.561G>A, p.Ala187= (NM_001378230.1); c.*178G>A (NM_001378231.1); c.*209G>A (NM_201263.2).
Identifiers: ClinVar variation 3351962 (VCV003351962.1).